The following is an entry in ClinVar:

NM_018006.5(TRMU):c.900G>T (p.Leu300=)

Gene: TRMU (tRNA mitochondrial 2-thiouridylase; plus strand). Cytogenetic location: 22q13.31.
Variant type: single nucleotide variant.
Coding change: c.900G>T on transcript NM_018006.5 (MANE Select); coding-DNA position 900, G replaced by T.
Protein change: p.Leu300=; no amino-acid change (leucine 300 retained).
Molecular consequence: synonymous variant. On other transcripts: non-coding transcript variant (2).
Genome position (GRCh38, 1-based): chr22:46,355,470, G>T. VCF-style: chr22-46355470-G-T. GRCh37 (hg19) VCF-style: chr22-46751367-G-T.
Other names: p.L300L:CTG>CTT; c.558G>T, p.Leu186= (NM_001282782.2); c.480G>T, p.Leu160= (NM_001282783.2, NM_001282784.2); c.900G>T, p.Leu300= (NM_001282785.2).
Identifiers: ClinVar variation 137714 (VCV000137714.22), dbSNP rs113846383, ClinGen allele CA291379.

ClinVar aggregate classification (germline): Conflicting classifications of pathogenicity. Review status: criteria provided, conflicting classifications (1 of 4 stars). 6 submissions from 6 submitters: Uncertain significance (1); Benign (2); Likely benign (2). 1 of the submissions does not count toward it. Last evaluated 2026-01-27.

Conditions:
Acute infantile liver failure due to synthesis defect of mtDNA-encoded proteins. Also called: LIVER FAILURE, INFANTILE, TRANSIENT; TRMU Deficiency; Liver failure acute infantile. Identifiers: Orphanet 217371, MedGen C3278664, MONDO:0013111, OMIM 613070.

Allele frequency attached by ClinVar (database versions not stated): gnomAD exomes 0.00039; ExAC 0.00044; ESP Exome Variant Server 0.00054; gnomAD 0.00068 and 0.00072; TOPMed 0.00068; 1000 Genomes Project 30x 0.00156; 1000 Genomes Project 0.00200.
gnomAD v4.1: 426 of 1,613,072 alleles (0.026%); highest among the groups gnomAD compares: African/African-American, 0.25%; no homozygotes.

Submissions (6):

Labcorp Genetics (formerly Invitae), Labcorp
Classification: Benign. Last evaluated: 2026-01-27. Review status: criteria provided, single submitter. Criteria: Invitae Variant Classification Sherloc (09022015). Collection method: clinical testing. Allele origin: germline.

Blueprint Genetics
Classification: Likely benign. Last evaluated: 2024-03-23. Review status: criteria provided, single submitter. Criteria: ACMG Guidelines, 2015. Collection method: clinical testing. Allele origin: germline.

Illumina Laboratory Services, Illumina
Classification: Uncertain significance for Acute infantile liver failure due to synthesis defect of mtDNA-encoded proteins. Last evaluated: 2018-01-13. Review status: criteria provided, single submitter. Criteria: ICSL Variant Classification Criteria 13 December 2019. Collection method: clinical testing. Allele origin: germline.

Eurofins Ntd Llc (ga)
Classification: Likely benign. Last evaluated: 2016-12-22. Review status: criteria provided, single submitter. Criteria: EGL Classification Definitions 2015. Collection method: clinical testing. Allele origin: germline. Observed: 1 variant allele, 1 heterozygote.

GeneDx
Classification: Benign. Last evaluated: 2013-12-26. Review status: criteria provided, single submitter. Criteria: GeneDx Variant Classification (06012015). Collection method: clinical testing. Allele origin: germline. Affected: yes.
Comment: This variant is considered likely benign or benign based on one or more of the following criteria: it is a conservative change, it occurs at a poorly conserved position in the protein, it is predicted to be benign by multiple in silico algorithms, and/or has population frequency not consistent with disease.

Natera, Inc.
Classification: Likely benign for Acute infantile liver failure due to synthesis defect of mtDNA-encoded proteins. Last evaluated: 2019-10-24. Review status: no assertion criteria provided. Collection method: clinical testing. Allele origin: germline. Not counted in ClinVar's aggregate classification.